The following is an entry in ClinVar:

ClinVar aggregate classification (germline): Uncertain significance (1 of 4 stars; one submission).

Conditions:
Nephronophthisis 15 (NPHP15). Identifiers: Orphanet 3156, MedGen C3541853, MONDO:0013917, OMIM 614845.

Allele frequency attached by ClinVar (database versions not stated): gnomAD exomes below 0.00001; TOPMed below 0.00001; gnomAD 0.00001.
gnomAD v4.1: 3 of 1,612,750 alleles (0.00019%); highest among the groups gnomAD compares: Non-Finnish European, 0.00025%; no homozygotes.

Submission:

Labcorp Genetics (formerly Invitae), Labcorp
Classification: Uncertain significance for Nephronophthisis 15. Last evaluated: 2023-11-27. Review status: criteria provided, single submitter. Criteria: Invitae Variant Classification Sherloc (09022015). Collection method: clinical testing. Allele origin: germline.
Comment: This sequence change replaces glutamine, which is neutral and polar, with histidine, which is basic and polar, at codon 1019 of the CEP164 protein (p.Gln1019His). This variant is present in population databases (no rsID available, gnomAD 0.0009%). This variant has not been reported in the literature in individuals affected with CEP164-related conditions. ClinVar contains an entry for this variant (Variation ID: 1716179). Advanced modeling of protein sequence and biophysical properties (such as structural, functional, and spatial information, amino acid conservation, physicochemical variation, residue mobility, and thermodynamic stability) performed at Invitae indicates that this missense variant is not expected to disrupt CEP164 protein function with a negative predictive value of 80%. In summary, the available evidence is currently insufficient to determine the role of this variant in disease. Therefore, it has been classified as a Variant of Uncertain Significance.

NM_014956.5(CEP164):c.3057G>C (p.Gln1019His)

Gene: CEP164 (centrosomal protein 164; plus strand). Cytogenetic location: 11q23.3.
Variant type: single nucleotide variant.
Coding change: c.3057G>C on transcript NM_014956.5 (MANE Select); coding-DNA position 3057, G replaced by C.
Protein change: p.Gln1019His; replaces glutamine 1019 with histidine.
Molecular consequence: missense variant.
Genome position (GRCh38, 1-based): chr11:117,395,690, G>C. VCF-style: chr11-117395690-G-C. GRCh37 (hg19) VCF-style: chr11-117266406-G-C.
Other names: c.3066G>C, p.Gln1022His (NM_001271933.2); short protein forms Q1019H, Q1022H.
Identifiers: ClinVar variation 1716179 (VCV001716179.5), dbSNP rs1461646270, ClinGen allele CA382732265.